The following is an entry in ClinVar:

ClinVar aggregate classification (germline): Uncertain significance (1 of 4 stars; one submission).

Allele frequency attached by ClinVar (database versions not stated): gnomAD exomes below 0.00001; TOPMed below 0.00001; gnomAD 0.00001.
gnomAD v4.1: 2 of 1,610,726 alleles (0.00012%); highest among the groups gnomAD compares: African/African-American, 0.0027%; no homozygotes.

Submission:

Labcorp Genetics (formerly Invitae), Labcorp
Classification: Uncertain significance. Last evaluated: 2022-08-22. Review status: criteria provided, single submitter. Criteria: Invitae Variant Classification Sherloc (09022015). Collection method: clinical testing. Allele origin: germline.
Comment: Algorithms developed to predict the effect of missense changes on protein structure and function are either unavailable or do not agree on the potential impact of this missense change (SIFT: "Deleterious"; PolyPhen-2: "Possibly Damaging"; Align-GVGD: "Class C15"). This variant has not been reported in the literature in individuals affected with KCNV2-related conditions. This variant is present in population databases (no rsID available, gnomAD 0.01%). This sequence change replaces leucine, which is neutral and non-polar, with phenylalanine, which is neutral and non-polar, at codon 352 of the KCNV2 protein (p.Leu352Phe). In summary, the available evidence is currently insufficient to determine the role of this variant in disease. Therefore, it has been classified as a Variant of Uncertain Significance.

NM_133497.4(KCNV2):c.1054C>T (p.Leu352Phe)

Gene: KCNV2 (potassium voltage-gated channel modifier subfamily V member 2; plus strand). Cytogenetic location: 9p24.2.
Variant type: single nucleotide variant.
Coding change: c.1054C>T on transcript NM_133497.4 (MANE Select); coding-DNA position 1054, C replaced by T.
Protein change: p.Leu352Phe; replaces leucine 352 with phenylalanine.
Molecular consequence: missense variant.
Genome position (GRCh38, 1-based): chr9:2,718,793, C>T. VCF-style: chr9-2718793-C-T. GRCh37 (hg19) VCF-style: chr9-2718793-C-T.
Other names: short protein forms L352F.
Identifiers: ClinVar variation 2009826 (VCV002009826.4), dbSNP rs1044937878, ClinGen allele CA187973788.